The following is an entry in ClinVar:

ClinVar aggregate classification (germline): Uncertain significance. Review status: criteria provided, multiple submitters, no conflicts (2 of 4 stars). 2 submissions from 2 submitters: Uncertain significance (2). Last evaluated 2025-04-28.

Conditions:
Inborn genetic diseases. Identifiers: MedGen C0950123, MeSH D030342.
Wiskott-Aldrich syndrome (WAS). Also called: ALDRICH SYNDROME; IMMUNODEFICIENCY 2; WISKOTT-ALDRICH SYNDROME 1; Wiskott-aldrich syndrome, somatic. Identifiers: Orphanet 906, MedGen C0043194, MONDO:0010518, OMIM 301000.
X-linked severe congenital neutropenia (SCNX). Identifiers: Orphanet 86788, MedGen C1845987, MONDO:0010294, OMIM 300299.
Thrombocytopenia 1. Also called: THROMBOCYTOPENIA, X-LINKED, 1; X-Linked Thrombocytopenia (XLT); X-linked thrombocytopenia with normal platelets. Identifiers: Orphanet 268322, Orphanet 852, MedGen C1839163, MONDO:0010743, OMIM 313900.

Allele frequency attached by ClinVar (database versions not stated): gnomAD exomes below 0.00001; ExAC 0.00002.
gnomAD v4.1: 4 of 1,177,553 alleles (0.00034%); highest among the groups gnomAD compares: Admixed American, 0.0047%; no homozygotes.

Submissions (2):

Ambry Genetics
Classification: Uncertain significance for Inborn genetic diseases. Last evaluated: 2025-04-28. Review status: criteria provided, single submitter. Criteria: Ambry Variant Classification Scheme 2023. Collection method: clinical testing. Allele origin: germline.

Labcorp Genetics (formerly Invitae), Labcorp
Classification: Uncertain significance for Wiskott-Aldrich syndrome; X-linked severe congenital neutropenia; Thrombocytopenia 1. Last evaluated: 2022-02-22. Review status: criteria provided, single submitter. Criteria: Invitae Variant Classification Sherloc (09022015). Collection method: clinical testing. Allele origin: germline.
Comment: This sequence change replaces arginine, which is basic and polar, with glutamine, which is neutral and polar, at codon 328 of the WAS protein (p.Arg328Gln). The frequency data for this variant in the population databases is considered unreliable, as metrics indicate poor data quality at this position in the gnomAD database. This variant has not been reported in the literature in individuals affected with WAS-related conditions. Algorithms developed to predict the effect of missense changes on protein structure and function are either unavailable or do not agree on the potential impact of this missense change (SIFT: "Not Available"; PolyPhen-2: "Benign"; Align-GVGD: "Not Available"). In summary, the available evidence is currently insufficient to determine the role of this variant in disease. Therefore, it has been classified as a Variant of Uncertain Significance.

NM_000377.3(WAS):c.983G>A (p.Arg328Gln)

Gene: WAS (WASP actin nucleation promoting factor; plus strand). Cytogenetic location: Xp11.23.
Variant type: single nucleotide variant.
Coding change: c.983G>A on transcript NM_000377.3 (MANE Select); coding-DNA position 983, G replaced by A.
Protein change: p.Arg328Gln; replaces arginine 328 with glutamine.
Molecular consequence: missense variant.
Genome position (GRCh38, 1-based): chrX:48,688,711, G>A. VCF-style: chrX-48688711-G-A. GRCh37 (hg19) VCF-style: chrX-48547100-G-A.
Other names: short protein forms R328Q.
Identifiers: ClinVar variation 2188308 (VCV002188308.2), dbSNP rs781910412, ClinGen allele CA10404023.
Genomic context (GRCh38, chrX:48,688,711, plus strand): 5'-CCTCCACAGAGCCACTTCCGCCGCCCCCACCGCCATCTCGAGGAGGGAACCAGCTCCCCC[G>A]GCCCCCTATTGTGGGGGGTAACAAGGGTCGTTCTGGTCCACTGCCCCCTGTACCTTTGGG-3'
Protein context (NP_000368.1, residues 318-338): PPSRGGNQLP[Arg328Gln]PPIVGGNKGR